The following is an entry in ClinVar:

ClinVar aggregate classification (germline): Benign/Likely benign. Review status: criteria provided, multiple submitters, no conflicts (2 of 4 stars). 4 submissions from 4 submitters: Benign (2); Likely benign (1). 1 of the submissions does not count toward it. Last evaluated 2025-09-03.

Conditions:
CELSR2-related disorder. Also called: CELSR2-related condition.

Allele frequency attached by ClinVar (database versions not stated): gnomAD exomes 0.00054 and 0.00122; ExAC 0.00146; gnomAD 0.00411 and 0.00426; ESP Exome Variant Server 0.00446; TOPMed 0.00466; 1000 Genomes Project 0.00619; 1000 Genomes Project 30x 0.00750.
gnomAD v4.1: 1,427 of 1,614,158 alleles (0.088%); highest among the groups gnomAD compares: African/African-American, 1.4%; 13 homozygotes.

Submissions (4):

Labcorp Genetics (formerly Invitae), Labcorp
Classification: Benign. Last evaluated: 2025-09-03. Review status: criteria provided, single submitter. Criteria: Invitae Variant Classification Sherloc (09022015). Collection method: clinical testing. Allele origin: germline.

Blueprint Genetics
Classification: Likely benign. Last evaluated: 2024-10-25. Review status: criteria provided, single submitter. Criteria: ACMG Guidelines, 2015. Collection method: clinical testing. Allele origin: germline.

Breakthrough Genomics
Classification: Benign. Review status: criteria provided, single submitter. Criteria: ACMG Guidelines, 2015. Collection method: not provided. Allele origin: germline. Inheritance: Unknown mechanism. Affected: yes.

PreventionGenetics, part of Exact Sciences
Classification: Benign for CELSR2-related condition. Last evaluated: 2019-02-20. Review status: no assertion criteria provided. Collection method: clinical testing. Allele origin: germline. Not counted in ClinVar's aggregate classification.
Comment: This variant is classified as benign based on ACMG/AMP sequence variant interpretation guidelines (Richards et al. 2015 PMID: 25741868, with internal and published modifications).

NM_001408.3(CELSR2):c.6903C>T (p.Pro2301=)

Gene: CELSR2 (cadherin EGF LAG seven-pass G-type receptor 2; plus strand). Cytogenetic location: 1p13.3.
Variant type: single nucleotide variant.
Coding change: c.6903C>T on transcript NM_001408.3 (MANE Select); coding-DNA position 6903, C replaced by T.
Protein change: p.Pro2301=; no amino-acid change (proline 2301 retained).
Molecular consequence: synonymous variant.
Genome position (GRCh38, 1-based): chr1:109,269,514, C>T. VCF-style: chr1-109269514-C-T. GRCh37 (hg19) VCF-style: chr1-109812136-C-T.
Identifiers: ClinVar variation 732912 (VCV000732912.13), dbSNP rs75497225, ClinGen allele CA988041.